The following is an entry in ClinVar:

ClinVar aggregate classification (germline): Conflicting classifications of pathogenicity. Review status: criteria provided, conflicting classifications (1 of 4 stars). 3 submissions from 3 submitters: Uncertain significance (1); Likely benign (2). Last evaluated 2025-04-21.

Conditions:
Familial melanoma. Also called: Hereditary melanoma; Hereditary cutaneous melanoma. Identifiers: Orphanet 618, MedGen C1512419, MONDO:0018961.
Hereditary cancer-predisposing syndrome. Also called: Hereditary neoplastic syndrome; Tumor predisposition; Hereditary Cancer Syndrome; Neoplastic Syndromes, Hereditary. Identifiers: Orphanet 140162, MedGen C0027672, MeSH D009386, MONDO:0015356.

gnomAD v4.1: 1 of 1,614,168 alleles (0.000062%); highest among the groups gnomAD compares: Non-Finnish European, 0.000085%; no homozygotes.

Submissions (3):

Labcorp Genetics (formerly Invitae), Labcorp
Classification: Likely benign for Familial melanoma. Last evaluated: 2025-04-21. Review status: criteria provided, single submitter. Criteria: Invitae Variant Classification Sherloc (09022015). Collection method: clinical testing. Allele origin: germline.

Quest Diagnostics Nichols Institute San Juan Capistrano
Classification: Uncertain significance. Last evaluated: 2023-12-12. Review status: criteria provided, single submitter. Criteria: Quest Diagnostics criteria. Collection method: clinical testing. Allele origin: unknown.
Comment: The CDK4 c.642C>T (p.Phe214=) synonymous variant has not been reported in individuals with CDK4-related conditions in the published literature. It also has not been reported in large, multi-ethnic general populations (Genome Aggregation Database). Analysis of this variant using software algorithms for the prediction of the effect of nucleotide changes on splicing yielded predictions that this variant does not affect CDK4 mRNA splicing. Based on the available information, we are unable to determine the clinical significance of this variant.

Ambry Genetics
Classification: Likely benign for Hereditary cancer-predisposing syndrome. Last evaluated: 2023-08-30. Review status: criteria provided, single submitter. Criteria: Ambry Variant Classification Scheme 2023. Collection method: clinical testing. Allele origin: germline.

NM_000075.4(CDK4):c.642C>T (p.Phe214=)

Genes: TSPAN31 (tetraspanin 31; plus strand), CDK4 (cyclin dependent kinase 4; minus strand). Cytogenetic location: 12q14.1.
Variant type: single nucleotide variant.
Coding change: c.642C>T on transcript NM_000075.4 (MANE Select); coding-DNA position 642, C replaced by T.
Protein change: p.Phe214=; no amino-acid change (phenylalanine 214 retained).
Molecular consequence: synonymous variant. On other transcripts: 3 prime UTR variant (3).
Genome position (GRCh38, 1-based): chr12:57,749,495, G>A on the plus strand (C>T on the coding strand, the complement: CDK4 is on the minus strand). VCF-style: chr12-57749495-G-A. GRCh37 (hg19) VCF-style: chr12-58143278-G-A.
Other names: c.*2205G>A (NM_001330168.2, NM_001330169.2, NM_005981.5).
Identifiers: ClinVar variation 2586840 (VCV002586840.4), dbSNP rs755091270, ClinGen allele CA385544223.